The following is an entry in ClinVar:

NM_004006.3:c.(1602+1_1603-1)_(6438+1_6439-1)del

Gene: DMD (dystrophin; minus strand).
Variant type: Deletion.
Other names: c.(1602+1_1603-1)_(6438+1_6439-1)del (NM_004006.3).
Identifiers: ClinVar variation 1338782 (VCV001338782.1).

ClinVar aggregate classification (germline): Pathogenic (1 of 4 stars; one submission).

Conditions:
Becker muscular dystrophy (BMD). Also called: MUSCULAR DYSTROPHY, PSEUDOHYPERTROPHIC PROGRESSIVE, BECKER TYPE; Becker Muscular Dystrophy (BMD). Identifiers: Orphanet 98895, MedGen C0917713, MONDO:0010311, OMIM 300376.

Submission:

Institute of Human Genetics, University of Leipzig Medical Center
Classification: Pathogenic for Becker muscular dystrophy. Last evaluated: 2022-01-06. Review status: criteria provided, single submitter. Criteria: ACMG Guidelines, 2015. Collection method: clinical testing. Allele origin: unknown. Affected: yes.
Comment: This variant was identified as hemizygous._x000D_ Criteria applied: PVS1_STR, PS4, PM2_SUP